The following is an entry in ClinVar:

NM_000093.5(COL5A1):c.4121C>T (p.Thr1374Met)

Gene: COL5A1 (collagen type V alpha 1 chain; plus strand). Cytogenetic location: 9q34.3.
Variant type: single nucleotide variant.
Coding change: c.4121C>T on transcript NM_000093.5 (MANE Select); coding-DNA position 4121, C replaced by T.
Protein change: p.Thr1374Met; replaces threonine 1374 with methionine.
Molecular consequence: missense variant.
Genome position (GRCh38, 1-based): chr9:134,815,987, C>T. VCF-style: chr9-134815987-C-T. GRCh37 (hg19) VCF-style: chr9-137707833-C-T.
Other names: c.4121C>T, p.Thr1374Met (NM_001278074.1); short protein forms T1374M.
Identifiers: ClinVar variation 419573 (VCV000419573.69), dbSNP rs151115748, ClinGen allele CA5320139.

ClinVar aggregate classification (germline): Conflicting classifications of pathogenicity. Review status: criteria provided, conflicting classifications (1 of 4 stars). 10 submissions from 10 submitters: Uncertain significance (4); Likely benign (5). 1 of the submissions does not count toward it. Last evaluated 2025-05-01.

Conditions:
COL5A1-related disorder. Also called: COL5A1-related condition.
Ehlers-Danlos syndrome, classic type, 1 (EDSCL1). Also called: Ehlers-Danlos Syndrome, Classic Type, COL5A1-Related; EDS I; EHLERS-DANLOS SYNDROME, GRAVIS TYPE; EHLERS-DANLOS SYNDROME, SEVERE CLASSIC TYPE; Ehlers-Danlos syndrome, type 1. Identifiers: MedGen C0268335, MONDO:0019567, OMIM 130000.
Ehlers-Danlos syndrome (EDS). Identifiers: Orphanet 98249, MedGen C0013720, MONDO:0020066.
Familial thoracic aortic aneurysm and aortic dissection (TAAD). Also called: Thoracic aortic aneurysms and dissections. Identifiers: Orphanet 91387, MedGen C4707243, MONDO:0019625.

Allele frequency attached by ClinVar (database versions not stated): gnomAD 0.00014; TOPMed 0.00015; gnomAD exomes 0.00016 and 0.00023; ExAC 0.00021; ESP Exome Variant Server 0.00023.
gnomAD v4.1: 249 of 1,614,054 alleles (0.015%); highest among the groups gnomAD compares: South Asian, 0.054%; no homozygotes.

Submissions (10):

GeneDx
Classification: Uncertain significance. Last evaluated: 2025-05-01. Review status: criteria provided, single submitter. Criteria: GeneDx Variant Classification Process June 2021. Collection method: clinical testing. Allele origin: germline. Affected: yes.
Comment: In silico analysis suggests that this missense variant does not alter protein structure/function; Occurs in the triple helical domain at the Y position in the canonical Gly-X-Y repeat; although this variant may have an effect on normal protein folding and function, missense substitution at the Y position is not a common mechanism of disease (PMID: 22696272); Has not been previously published as pathogenic or benign to our knowledge; This variant is associated with the following publications: (PMID: 22696272)

Molecular Diagnostic Laboratory for Inherited Cardiovascular Disease, Montreal Heart Institute
Classification: Likely benign. Last evaluated: 2025-04-09. Review status: criteria provided, single submitter. Criteria: ACMG Guidelines, 2015. Collection method: clinical testing. Allele origin: germline. Affected: no.
Comment: BS1, BP5

Labcorp Genetics (formerly Invitae), Labcorp
Classification: Uncertain significance for Ehlers-Danlos syndrome, classic type, 1. Last evaluated: 2025-01-24. Review status: criteria provided, single submitter. Criteria: Invitae Variant Classification Sherloc (09022015). Collection method: clinical testing. Allele origin: germline.
Comment: This sequence change replaces threonine, which is neutral and polar, with methionine, which is neutral and non-polar, at codon 1374 of the COL5A1 protein (p.Thr1374Met). This variant is present in population databases (rs151115748, gnomAD 0.06%), and has an allele count higher than expected for a pathogenic variant. This variant has not been reported in the literature in individuals affected with COL5A1-related conditions. ClinVar contains an entry for this variant (Variation ID: 419573). Experimental studies and prediction algorithms are not available or were not evaluated, and the functional significance of this variant is currently unknown. In summary, the available evidence is currently insufficient to determine the role of this variant in disease. Therefore, it has been classified as a Variant of Uncertain Significance.

Blueprint Genetics
Classification: Likely benign. Last evaluated: 2024-11-13. Review status: criteria provided, single submitter. Criteria: ACMG Guidelines, 2015. Collection method: clinical testing. Allele origin: germline.

Women's Health and Genetics/Laboratory Corporation of America, LabCorp
Classification: Likely benign. Last evaluated: 2024-05-13. Review status: criteria provided, single submitter. Criteria: LabCorp Variant Classification Summary - May 2015. Collection method: clinical testing. Allele origin: germline.
Comment: Variant summary: COL5A1 c.4121C>T (p.Thr1374Met) results in a non-conservative amino acid change in the encoded protein sequence. Five of five in-silico tools predict a damaging effect of the variant on protein function. In addition, this variant disrupts the penultimate nucleotide of exon 52, and therefore can affect splicing. Consensus agreement among computation tools predict no significant impact on normal splicing. However, these predictions have yet to be confirmed by functional studies. The variant allele was found at a frequency of 0.00023 in 251418 control chromosomes. The observed variant frequency is approximately 7.25 fold of the estimated maximal expected allele frequency for a pathogenic variant in COL5A1 causing Ehlers-Danlos Syndrome phenotype (3.1e-05), strongly suggesting that the variant is benign. c.4121C>T has been reported in the literature as a variant of uncertain significance in at least one individual with a diagnosis or suspicion of Ehlers-Danlos Syndrome (e.g., Ilves_2023), however without strong evidence for causality (e.g., lack of co-segregation data). These report(s) do not provide unequivocal conclusions about association of the variant with Ehlers-Danlos Syndrome. To our knowledge, no experimental evidence demonstrating an impact on protein function has been reported. The following publication was ascertained in the context of this evaluation (PMID: 37427422). ClinVar contains an entry for this variant (Variation ID: 419573). Based on the evidence outlined above, the variant was classified as likely benign.

Ambry Genetics
Classification: Likely benign for Familial thoracic aortic aneurysm and aortic dissection. Last evaluated: 2024-02-01. Review status: criteria provided, single submitter. Criteria: Ambry Variant Classification Scheme 2023. Collection method: clinical testing. Allele origin: germline.

MGZ Medical Genetics Center
Classification: Uncertain significance for Ehlers-Danlos syndrome, classic type, 1. Last evaluated: 2021-08-12. Review status: criteria provided, single submitter. Criteria: ACMG Guidelines, 2015. Collection method: clinical testing. Allele origin: germline. Affected: yes. Observed: 1 variant allele.
Comment: ACMG criteria applied: PP3

CeGaT Center for Human Genetics Tuebingen
Classification: Likely benign. Last evaluated: 2021-07-01. Review status: criteria provided, single submitter. Criteria: CeGaT Center For Human Genetics Tuebingen Variant Classification Criteria Version 2. Collection method: clinical testing. Allele origin: germline. Affected: yes. Observed: 3 variant alleles.

Genome Diagnostics Laboratory, The Hospital for Sick Children
Classification: Uncertain significance for Ehlers-Danlos syndrome. Last evaluated: 2020-07-01. Review status: criteria provided, single submitter. Criteria: ACMG Guidelines, 2015. Collection method: clinical testing. Allele origin: germline.

PreventionGenetics, part of Exact Sciences
Classification: Likely benign for COL5A1-related condition. Last evaluated: 2023-10-10. Review status: no assertion criteria provided. Collection method: clinical testing. Allele origin: germline. Not counted in ClinVar's aggregate classification.
Comment: This variant is classified as likely benign based on ACMG/AMP sequence variant interpretation guidelines (Richards et al. 2015 PMID: 25741868, with internal and published modifications).

Literature cited by the submitters: PubMed 37427422 (cited by Women's Health and Genetics/Laboratory Corporation of America, LabCorp).